The following is an entry in ClinVar:

ClinVar aggregate classification (germline): Uncertain significance. Review status: criteria provided, multiple submitters, no conflicts (2 of 4 stars). 3 submissions from 3 submitters: Uncertain significance (3). Last evaluated 2025-01-13.

Allele frequency attached by ClinVar (database versions not stated): 1000 Genomes Project 30x 0.00016; gnomAD exomes 0.00019; 1000 Genomes Project 0.00020.
gnomAD v4.1: 1,741 of 1,389,144 alleles (0.13%); highest among the groups gnomAD compares: Non-Finnish European, 0.15%; 2 homozygotes.

Submissions (3):

Labcorp Genetics (formerly Invitae), Labcorp
Classification: Uncertain significance. Last evaluated: 2025-01-13. Review status: criteria provided, single submitter. Criteria: Invitae Variant Classification Sherloc (09022015). Collection method: clinical testing. Allele origin: germline.
Comment: This sequence change replaces glycine, which is neutral and non-polar, with glutamic acid, which is acidic and polar, at codon 83 of the DMRT2 protein (p.Gly83Glu). This variant is present in population databases (rs530416855, gnomAD 0.1%). This variant has not been reported in the literature in individuals affected with DMRT2-related conditions. ClinVar contains an entry for this variant (Variation ID: 1424613). An algorithm developed to predict the effect of missense changes on protein structure and function (PolyPhen-2) suggests that this variant is likely to be disruptive. In summary, the available evidence is currently insufficient to determine the role of this variant in disease. Therefore, it has been classified as a Variant of Uncertain Significance.

Ambry Genetics
Classification: Uncertain significance. Last evaluated: 2021-06-18. Review status: criteria provided, single submitter. Criteria: Ambry Variant Classification Scheme 2023. Collection method: clinical testing. Allele origin: germline.

Breakthrough Genomics
Classification: Uncertain significance. Review status: criteria provided, single submitter. Criteria: ACMG Guidelines, 2015. Collection method: not provided. Allele origin: germline. Inheritance: Autosomal recessive inheritance. Affected: yes.

NM_181872.6(DMRT2):c.248G>A (p.Gly83Glu)

Gene: DMRT2 (doublesex and mab-3 related transcription factor 2; plus strand). Cytogenetic location: 9p24.3.
Variant type: single nucleotide variant.
Coding change: c.248G>A on transcript NM_181872.6 (MANE Select); coding-DNA position 248, G replaced by A.
Protein change: p.Gly83Glu; replaces glycine 83 with glutamic acid.
Molecular consequence: missense variant. On other transcripts: 5 prime UTR variant (1), non-coding transcript variant (1).
Genome position (GRCh38, 1-based): chr9:1,051,861, G>A. VCF-style: chr9-1051861-G-A. GRCh37 (hg19) VCF-style: chr9-1051861-G-A.
Other names: c.248G>A, p.Gly83Glu (NM_001130865.3, NM_001370531.1, NM_001370533.1 and 4 more transcripts); c.-403G>A (NM_001370532.1); c.248G>A (NM_181872.4); short protein forms G83E.
Identifiers: ClinVar variation 1424613 (VCV001424613.6), dbSNP rs530416855, ClinGen allele CA187867215.